The following is an entry in ClinVar:

ClinVar aggregate classification (germline): Pathogenic (1 of 4 stars; one submission).

Conditions:
Joubert syndrome. Also called: CEREBELLOPARENCHYMAL DISORDER IV; JOUBERT-BOLTSHAUSER SYNDROME; Familial aplasia of the vermis. Identifiers: Orphanet 475, MedGen C5979921, MONDO:0018772.
Nephronophthisis. Also called: Juvenile Nephronophthisis. Identifiers: Orphanet 655, MedGen C0687120, MONDO:0019005, HP:0000090.
Meckel-Gruber syndrome. Also called: DYSENCEPHALIA SPLANCHNOCYSTICA; GRUBER SYNDROME; Dysencephalia splachnocystica. Identifiers: Orphanet 564, MedGen C0265215, MONDO:0018921.

Submission:

Labcorp Genetics (formerly Invitae), Labcorp
Classification: Pathogenic for Joubert syndrome; Meckel-Gruber syndrome; Nephronophthisis. Last evaluated: 2023-11-06. Review status: criteria provided, single submitter. Criteria: Invitae Variant Classification Sherloc (09022015). Collection method: clinical testing. Allele origin: germline.
Comment: This sequence change creates a premature translational stop signal (p.Ile897Asnfs*15) in the CEP290 gene. It is expected to result in an absent or disrupted protein product. Loss-of-function variants in CEP290 are known to be pathogenic (PMID: 16909394, 17345604, 20690115). This variant is not present in population databases (gnomAD no frequency). This variant has not been reported in the literature in individuals affected with CEP290-related conditions. For these reasons, this variant has been classified as Pathogenic.

Literature cited by the submitters: PubMed 16909394; PubMed 17345604; PubMed 20690115.

NM_025114.4(CEP290):c.2689dup (p.Ile897fs)

Gene: CEP290 (centrosomal protein 290; minus strand). Cytogenetic location: 12q21.32.
Variant type: Duplication.
Coding change: c.2689dup on transcript NM_025114.4 (MANE Select); coding-DNA position 2689, one base duplicated (A; older notation c.2689dupA).
Protein change: p.Ile897fs; shifts the reading frame from isoleucine 897.
Molecular consequence: frameshift variant.
Genome position (GRCh38, 1-based): chr12:88,106,803, T duplicated on the plus strand (A on the coding strand, the reverse complement: CEP290 is on the minus strand). VCF-style (leftmost placement, unchanged base first): chr12-88106802-A-AT. GRCh37 (hg19) VCF-style: chr12-88500579-A-AT.
Other names: short protein forms I897fs.
Identifiers: ClinVar variation 2953616 (VCV002953616.3), dbSNP rs2500619029, ClinGen allele CA2740092485.